The following is an entry in ClinVar:

NM_001943.5(DSG2):c.22G>C (p.Ala8Pro)

Genes: DSG2 (desmoglein 2; plus strand), LOC130062340 (ATAC-STARR-seq lymphoblastoid silent region 9384; plus strand). Cytogenetic location: 18q12.1.
Variant type: single nucleotide variant.
Coding change: c.22G>C on transcript NM_001943.5 (MANE Select); coding-DNA position 22, G replaced by C.
Protein change: p.Ala8Pro; replaces alanine 8 with proline.
Molecular consequence: missense variant.
Genome position (GRCh38, 1-based): chr18:31,498,273, G>C. VCF-style: chr18-31498273-G-C. GRCh37 (hg19) VCF-style: chr18-29078236-G-C.
Other names: short protein forms A8P.
Identifiers: ClinVar variation 3221941 (VCV003221941.1), dbSNP rs2072994295, ClinGen allele CA402127589.

ClinVar aggregate classification (germline): Uncertain significance (1 of 4 stars; one submission).

Conditions:
Cardiovascular phenotype. Identifiers: MedGen CN230736.

Allele frequency attached by ClinVar (database versions not stated): gnomAD exomes below 0.00001.
gnomAD v4.1: 1 of 1,263,876 alleles (0.000079%); highest among the groups gnomAD compares: Non-Finnish European, 0.0001%; no homozygotes.

Submission:

Ambry Genetics
Classification: Uncertain significance for Cardiovascular phenotype. Last evaluated: 2024-02-26. Review status: criteria provided, single submitter. Criteria: Ambry Variant Classification Scheme 2023. Collection method: clinical testing. Allele origin: germline.
Comment: The p.A8P variant (also known as c.22G>C), located in coding exon 1 of the DSG2 gene, results from a G to C substitution at nucleotide position 22. The alanine at codon 8 is replaced by proline, an amino acid with highly similar properties. This amino acid position is conserved. In addition, this alteration is predicted to be tolerated by in silico analysis. Based on the available evidence, the clinical significance of this alteration remains unclear.